The following is an entry in ClinVar:

NM_003072.5(SMARCA4):c.2267A>G (p.Gln756Arg)

Gene: SMARCA4 (SWI/SNF related BAF chromatin remodeling complex subunit ATPase 4; plus strand). Cytogenetic location: 19p13.2.
Variant type: single nucleotide variant.
Coding change: c.2267A>G on transcript NM_003072.5 (MANE Select); coding-DNA position 2267, A replaced by G.
Protein change: p.Gln756Arg; replaces glutamine 756 with arginine.
Molecular consequence: missense variant. On other transcripts: non-coding transcript variant (1).
Genome position (GRCh38, 1-based): chr19:11,010,524, A>G. VCF-style: chr19-11010524-A-G. GRCh37 (hg19) VCF-style: chr19-11121200-A-G.
Other names: c.2267A>G, p.Gln756Arg (NM_001128844.3, NM_001128845.2, NM_001128846.2 and 6 more transcripts); short protein forms Q756R.
Identifiers: ClinVar variation 3445975 (VCV003445975.1).

ClinVar aggregate classification (germline): Uncertain significance (1 of 4 stars; one submission).

Conditions:
Hereditary cancer-predisposing syndrome. Also called: Tumor predisposition; Neoplastic Syndromes, Hereditary; Hereditary neoplastic syndrome; Hereditary Cancer Syndrome. Identifiers: Orphanet 140162, MedGen C0027672, MeSH D009386, MONDO:0015356.

Submission:

Ambry Genetics
Classification: Uncertain significance for Hereditary cancer-predisposing syndrome. Last evaluated: 2024-09-05. Review status: criteria provided, single submitter. Criteria: Ambry Variant Classification Scheme 2023. Collection method: clinical testing. Allele origin: germline.
Comment: The p.Q756R variant (also known as c.2267A>G), located in coding exon 14 of the SMARCA4 gene, results from an A to G substitution at nucleotide position 2267. The glutamine at codon 756 is replaced by arginine, an amino acid with highly similar properties. This amino acid position is well conserved in available vertebrate species. In addition, this alteration is predicted to be deleterious by in silico analysis. Based on the available evidence, the clinical significance of this variant remains unclear.